The following is an entry in ClinVar:

ClinVar aggregate classification (germline): Pathogenic. Review status: reviewed by expert panel (3 of 4 stars). 8 submissions from 8 submitters: Pathogenic (1). 7 of the submissions do not count toward it. Last evaluated 2016-09-08.

Conditions:
Hereditary breast ovarian cancer syndrome. Also called: Hereditary breast and ovarian cancer syndrome; Hereditary breast and ovarian cancer syndrome (HBOC); BRCA1- and BRCA2-Associated Hereditary Breast and Ovarian Cancer; Breast and ovarian cancer; Hereditary breast and ovarian cancer; Hereditary breast and/or ovarian cancer syndrome. Identifiers: Orphanet 145, MedGen C0677776, MeSH D061325, MONDO:0003582. Disease mechanism: loss of function.
Hereditary cancer-predisposing syndrome. Also called: Hereditary Cancer Syndrome; Hereditary neoplastic syndrome; Tumor predisposition; Neoplastic Syndromes, Hereditary. Identifiers: Orphanet 140162, MedGen C0027672, MeSH D009386, MONDO:0015356.
Breast-ovarian cancer, familial, susceptibility to, 1 (BROVCA1). Also called: OVARIAN CANCER, SUSCEPTIBILITY TO; BRCA1 Hereditary Breast and Ovarian Cancer. Identifiers: Orphanet 145, MedGen C2676676, MONDO:0011450, OMIM 604370. Disease mechanism: loss of function.
Familial cancer of breast. Also called: BREAST CANCER, FAMILIAL; Hereditary breast cancer; hereditary breast carcinoma. Identifiers: Orphanet 227535, MedGen C0346153, MONDO:0016419, OMIM 114480. Disease mechanism: loss of function.

Submissions (8):

Evidence-based Network for the Interpretation of Germline Mutant Alleles (ENIGMA)
Classification: Pathogenic for Breast-ovarian cancer, familial, susceptibility to, 1. Last evaluated: 2016-09-08. Review status: reviewed by expert panel. Criteria: ENIGMA BRCA1/2 Classification Criteria (2015). Collection method: curation. Allele origin: germline.
Comment: Variant allele predicted to encode a truncated non-functional protein.

Labcorp Genetics (formerly Invitae), Labcorp
Classification: Pathogenic for Hereditary breast ovarian cancer syndrome. Last evaluated: 2024-08-22. Review status: criteria provided, single submitter. Criteria: Invitae Variant Classification Sherloc (09022015). Collection method: clinical testing. Allele origin: germline. Not counted in ClinVar's aggregate classification.
Comment: This sequence change creates a premature translational stop signal (p.Glu572*) in the BRCA1 gene. It is expected to result in an absent or disrupted protein product. Loss-of-function variants in BRCA1 are known to be pathogenic (PMID: 20104584). This variant is not present in population databases (gnomAD no frequency). This premature translational stop signal has been observed in individual(s) with a personal or family history of breast and/or ovarian cancer (PMID: 29446198). ClinVar contains an entry for this variant (Variation ID: 182135). For these reasons, this variant has been classified as Pathogenic.

Baylor Genetics
Classification: Pathogenic for Breast-ovarian cancer, familial, susceptibility to, 1. Last evaluated: 2023-07-29. Review status: criteria provided, single submitter. Criteria: ACMG Guidelines, 2015. Collection method: clinical testing. Allele origin: unknown. Not counted in ClinVar's aggregate classification.

Quest Diagnostics Nichols Institute San Juan Capistrano
Classification: Likely pathogenic. Last evaluated: 2023-06-28. Review status: criteria provided, single submitter. Criteria: Quest Diagnostics criteria. Collection method: clinical testing. Allele origin: unknown. Not counted in ClinVar's aggregate classification.
Comment: The BRCA1 c.1714G>T (p.Glu572*) variant has been reported in the published literature in individuals and families with a history of, or at risk for, breast and/or ovarian cancer (PMIDs: 31159747 (2019), 29446198 (2018), 22762150 (2012)). This variant has not been reported in large, multi-ethnic general populations (Genome Aggregation Database). Based on the available information, this variant is classified as likely pathogenic.

Ambry Genetics
Classification: Pathogenic for Hereditary cancer-predisposing syndrome. Last evaluated: 2022-06-01. Review status: criteria provided, single submitter. Criteria: Ambry Variant Classification Scheme 2023. Collection method: clinical testing. Allele origin: germline. Not counted in ClinVar's aggregate classification.
Comment: The p.E572* pathogenic mutation (also known as c.1714G>T), located in coding exon 9 of the BRCA1 gene, results from a G to T substitution at nucleotide position 1714. This changes the amino acid from a glutamic acid to a stop codon within coding exon 9. This mutation has been detected in two French breast and/or ovarian cancer families (Lecarpentier J et al. Breast Cancer Res, 2012 Jul;14:R99). In addition to the clinical data presented in the literature, this alteration is expected to result in loss of function by premature protein truncation or nonsense-mediated mRNA decay. As such, this alteration is interpreted as a disease-causing mutation.

GeneKor MSA
Classification: Pathogenic for Hereditary Breast Carcinoma. Last evaluated: 2020-01-01. Review status: criteria provided, single submitter. Criteria: ACMG Guidelines, 2015. Collection method: clinical testing. Allele origin: germline. Affected: yes. Not counted in ClinVar's aggregate classification.
Comment: This is a nonsense variant, leading to the appearance of a stop codon at the position 572 of the BRCA1 protein. It is expected to result in an absent or disrupted protein product. Truncating variants in BRCA1 are known to be pathogenic. This particular variant has been as been described in the literature in breast cancer patients (PMID: 22762150 ) and the mutation database ClinVar contains several entries for this variant (Variation ID: 182135).

GeneDx
Classification: Pathogenic. Last evaluated: 2015-10-14. Review status: criteria provided, single submitter. Criteria: GeneDx Variant Classification (06012015). Collection method: clinical testing. Allele origin: germline. Affected: yes. Not counted in ClinVar's aggregate classification.
Comment: This pathogenic variant is denoted BRCA1 c.1714G>T at the cDNA level and p.Glu572Ter (E572X) at the protein level. The substitution creates a nonsense variant, changing a Glutamic Acid to a premature stop codon (GAA>TAA). This variant is predicted to cause loss of normal protein function through either protein truncation or nonsense-mediated mRNA decay. This variant, also reported as BRCA1 1833G>T using alternate nomenclature, has been reported in two French families with breast cancer (Lecarpentier 2012). Based on current information, we consider this variant to be pathogenic.

Consortium of Investigators of Modifiers of BRCA1/2 (CIMBA), c/o University of Cambridge
Classification: Pathogenic for Breast-ovarian cancer, familial, susceptibility to, 1. Last evaluated: 2015-10-02. Review status: criteria provided, single submitter. Criteria: CIMBA Mutation Classification guidelines May 2016. Collection method: clinical testing. Allele origin: germline. Not counted in ClinVar's aggregate classification.

Literature cited by the submitters: PubMed 20104584 (cited by Labcorp Genetics (formerly Invitae), Labcorp); PubMed 29446198 (cited by Labcorp Genetics (formerly Invitae), Labcorp and Quest Diagnostics Nichols Institute San Juan Capistrano); PubMed 22762150 (cited by Quest Diagnostics Nichols Institute San Juan Capistrano and Ambry Genetics); PubMed 31159747 (cited by Quest Diagnostics Nichols Institute San Juan Capistrano).

NM_007294.4(BRCA1):c.1714G>T (p.Glu572Ter)

Gene: BRCA1 (BRCA1 DNA repair associated; minus strand). Cytogenetic location: 17q21.31.
Variant type: single nucleotide variant.
Coding change: c.1714G>T on transcript NM_007294.4 (MANE Select); coding-DNA position 1714, G replaced by T.
Protein change: p.Glu572Ter; replaces glutamic acid 572 with a stop codon.
Molecular consequence: nonsense. On other transcripts: intron variant (137).
Genome position (GRCh38, 1-based): chr17:43,093,817, C>A on the plus strand (G>T on the coding strand, the complement: BRCA1 is on the minus strand). VCF-style: chr17-43093817-C-A. GRCh37 (hg19) VCF-style: chr17-41245834-C-A.
Other names: p.E572*:GAA>TAA; c.1501G>T, p.Glu501Ter (NM_001407571.1, NM_001407898.1, NM_001407899.1 and 9 more transcripts); c.1714G>T, p.Glu572Ter (NM_001407581.1, NM_001407582.1, NM_001407583.1 and 30 more transcripts); c.1711G>T, p.Glu571Ter (NM_001407610.1, NM_001407611.1, NM_001407612.1 and 22 more transcripts); c.1705G>T, p.Glu569Ter (NM_001407647.1, NM_001407646.1); c.1591G>T, p.Glu531Ter (NM_001407648.1, NM_001407668.1, NM_001407669.1 and 19 more transcripts); c.1588G>T, p.Glu530Ter (NM_001407649.1, NM_001407670.1, NM_001407671.1 and 11 more transcripts); c.1636G>T, p.Glu546Ter (NM_001407653.1, NM_001407654.1, NM_001407655.1 and 4 more transcripts); and 41 more; short protein forms E572*, E525*, E444*, E460*, E461*, E545*, E276*, E483*.
Identifiers: ClinVar variation 182135 (VCV000182135.21), dbSNP rs730881473, ClinGen allele CA001124.